The following is an entry in ClinVar:

NM_000186.4(CFH):c.2808G>T (p.Glu936Asp)

Gene: CFH (complement factor H; plus strand). Cytogenetic location: 1q31.3.
Variant type: single nucleotide variant.
Coding change: c.2808G>T on transcript NM_000186.4 (MANE Select); coding-DNA position 2808, G replaced by T.
Protein change: p.Glu936Asp; replaces glutamic acid 936 with aspartic acid.
Molecular consequence: missense variant.
Genome position (GRCh38, 1-based): chr1:196,740,644, G>T. VCF-style: chr1-196740644-G-T. GRCh37 (hg19) VCF-style: chr1-196709774-G-T.
Other names: short protein forms E936D.
Identifiers: ClinVar variation 294509 (VCV000294509.28), dbSNP rs1065489, ClinGen allele CA1305755.
Genomic context (GRCh38, chr1:196,740,644, plus strand): 5'-GTTAGTGAAACCTGAATTCATTCTTTTTTTTTTAGGCCTTCCTTGTAAATCTCCACCTGA[G>T]ATTTCTCATGGTGTTGTAGCTCACATGTCAGACAGTTATCAGTATGGAGAAGAAGTTACG-3'
Protein context (NP_000177.2, residues 926-946): CEGLPCKSPP[Glu936Asp]ISHGVVAHMS

ClinVar aggregate classification (germline): Benign/Likely benign. Review status: criteria provided, multiple submitters, no conflicts (2 of 4 stars). 18 submissions from 12 submitters: Benign (14); Likely benign (2). 2 of the submissions do not count toward it. Last evaluated 2026-02-04.

Conditions:
CFH-Related Dense Deposit Disease / Membranoproliferative Glomerulonephritis Type II. Identifiers: MedGen CN071292.
Basal laminar drusen. Also called: DRUSEN OF BRUCH MEMBRANE; DRUSEN, CUTICULAR; DRUSEN, EARLY ADULT-ONSET, GROUPED. Identifiers: Orphanet 75376, MedGen C0730295, MONDO:0007472, OMIM 126700.
Atypical hemolytic-uremic syndrome. Identifiers: Orphanet 2134, MedGen C2931788, MONDO:0016244.
Age related macular degeneration 4. Identifiers: MedGen C1853147, MONDO:0012540, OMIM 610698.
Factor H deficiency (CFHD). Also called: COMPLEMENT FACTOR H DEFICIENCY; CFH DEFICIENCY. Identifiers: Orphanet 200421, MedGen C0398777, MONDO:0012350, OMIM 609814.
Hemolytic uremic syndrome, atypical, susceptibility to, 1. Also called: AHUS, SUSCEPTIBILITY TO, 1. Identifiers: Orphanet 2134, Orphanet 90038, MedGen C2749604, MONDO:0009335, OMIM 235400. Disease mechanism: Other.
Focal segmental glomerulosclerosis (FSGS). Also called: Glomerulosclerosis, focal; Focal sclerosis with hyalinosis. Identifiers: MedGen C0017668, MONDO:0100313, HP:0000097. Disease mechanism: loss of function.

Allele frequency attached by ClinVar (database versions not stated): ESP Exome Variant Server 0.13801; gnomAD 0.14779 and 0.15265; TOPMed 0.16129; gnomAD exomes 0.17846 and 0.20460; ExAC 0.19548; 1000 Genomes Project 30x 0.19628; 1000 Genomes Project 0.20327.
gnomAD v4.1: 283,852 of 1,612,926 alleles (18%); highest among the groups gnomAD compares: East Asian, 48%; 29,128 homozygotes.

Submissions (18):

Labcorp Genetics (formerly Invitae), Labcorp
Classification: Benign. Last evaluated: 2026-02-04. Review status: criteria provided, single submitter. Criteria: Invitae Variant Classification Sherloc (09022015). Collection method: clinical testing. Allele origin: germline.

Women's Health and Genetics/Laboratory Corporation of America, LabCorp
Classification: Likely benign. Last evaluated: 2026-01-21. Review status: criteria provided, single submitter. Criteria: LabCorp Variant Classification Summary - May 2015. Collection method: clinical testing. Allele origin: germline.

Genomenon, Inc
Classification: Benign for Basal laminar drusen; Age related macular degeneration 4; Atypical hemolytic-uremic syndrome; Factor H deficiency. Last evaluated: 2025-10-02. Review status: criteria provided, single submitter. Criteria: Genomenon Sequence Variant Interpretation Standards - Updated. Collection method: curation. Allele origin: germline. Affected: no.
Comment: CFH p.Glu936Asp (c.2808G>T) is a missense variant that changes the amino acid at residue 936 from Glutamic acid to Aspartic acid. This variant is present at high allele frequency in population databases. In conclusion, we classify CFH p.Glu936Asp (c.2808G>T) as a benign variant.

Blueprint Genetics
Classification: Likely benign. Last evaluated: 2024-11-26. Review status: criteria provided, single submitter. Criteria: ACMG Guidelines, 2015. Collection method: clinical testing. Allele origin: germline.

Genome Diagnostics Laboratory, The Hospital for Sick Children
Classification: Benign for Focal segmental glomerulosclerosis. Last evaluated: 2022-09-27. Review status: criteria provided, single submitter. Criteria: ACMG Guidelines, 2015. Collection method: clinical testing. Allele origin: germline.

Fulgent Genetics
Classification: Benign for Basal laminar drusen; Hemolytic uremic syndrome, atypical, susceptibility to, 1; Factor H deficiency; Age related macular degeneration 4. Last evaluated: 2022-01-01. Review status: criteria provided, single submitter. Criteria: ACMG Guidelines, 2015. Collection method: clinical testing. Allele origin: unknown.

Genome-Nilou Lab
Classification: Benign for Basal laminar drusen. Last evaluated: 2021-07-22. Review status: criteria provided, single submitter. Criteria: ACMG Guidelines, 2015. Collection method: clinical testing. Allele origin: germline. Affected: no.

Genome-Nilou Lab
Classification: Benign for Factor H deficiency. Last evaluated: 2021-07-22. Review status: criteria provided, single submitter. Criteria: ACMG Guidelines, 2015. Collection method: clinical testing. Allele origin: germline. Affected: no.

Genome-Nilou Lab
Classification: Benign for Hemolytic uremic syndrome, atypical, susceptibility to, 1. Last evaluated: 2021-07-22. Review status: criteria provided, single submitter. Criteria: ACMG Guidelines, 2015. Collection method: clinical testing. Allele origin: germline. Affected: no.

Genome-Nilou Lab
Classification: Benign for Age related macular degeneration 4. Last evaluated: 2021-07-22. Review status: criteria provided, single submitter. Criteria: ACMG Guidelines, 2015. Collection method: clinical testing. Allele origin: germline. Affected: no.

GeneDx
Classification: Benign. Last evaluated: 2020-09-16. Review status: criteria provided, single submitter. Criteria: GeneDx Variant Classification Process June 2021. Collection method: clinical testing. Allele origin: germline. Affected: yes.
Comment: This variant is associated with the following publications: (PMID: 31428128, 28173125, 14583443, 22790979, 20694013, 21868097, 18421087, 23660864, 25087612, 22718493)

Illumina Laboratory Services, Illumina
Classification: Benign for Hemolytic uremic syndrome, atypical, susceptibility to, 1. Last evaluated: 2017-04-27. Review status: criteria provided, single submitter. Criteria: ICSL Variant Classification Criteria 13 December 2019. Collection method: clinical testing. Allele origin: germline.
Comment: This variant was observed as part of a predisposition screen in an ostensibly healthy population. A literature search was performed for the gene, cDNA change, and amino acid change (where applicable). No publications were found based on this search. Allele frequency data from public databases was too high to be consistent with this variant causing disease. Therefore, this variant is classified as benign.

Illumina Laboratory Services, Illumina
Classification: Benign for Age related macular degeneration 4. Last evaluated: 2017-04-27. Review status: criteria provided, single submitter. Criteria: ICSL Variant Classification Criteria 13 December 2019. Collection method: clinical testing. Allele origin: germline.
Comment: the same text as in the submission from Illumina Laboratory Services, Illumina above.

Illumina Laboratory Services, Illumina
Classification: Benign for Membranoproliferative glomerulonephritis with complement factor h deficiency. Last evaluated: 2017-04-27. Review status: criteria provided, single submitter. Criteria: ICSL Variant Classification Criteria 13 December 2019. Collection method: clinical testing. Allele origin: germline.
Comment: the same text as in the submission from Illumina Laboratory Services, Illumina above.

Illumina Laboratory Services, Illumina
Classification: Benign for Basal laminar drusen. Last evaluated: 2017-04-27. Review status: criteria provided, single submitter. Criteria: ICSL Variant Classification Criteria 13 December 2019. Collection method: clinical testing. Allele origin: germline.
Comment: the same text as in the submission from Illumina Laboratory Services, Illumina above.

Breakthrough Genomics
Classification: Benign. Review status: criteria provided, single submitter. Criteria: ACMG Guidelines, 2015. Collection method: not provided. Allele origin: germline. Inheritance: Autosomal recessive inheritance. Affected: yes.

Genome Diagnostics Laboratory, University Medical Center Utrecht
Classification: Benign. Review status: no assertion criteria provided. Collection method: clinical testing. Allele origin: germline. Affected: yes. Study: VKGL Data-share Consensus. Not counted in ClinVar's aggregate classification.

Joint Genome Diagnostic Labs from Nijmegen and Maastricht, Radboudumc and MUMC+
Classification: Benign. Review status: no assertion criteria provided. Collection method: clinical testing. Allele origin: germline. Affected: yes. Study: VKGL Data-share Consensus. Not counted in ClinVar's aggregate classification.